The following is an entry in ClinVar:

ClinVar aggregate classification (germline): Uncertain significance. Review status: criteria provided, multiple submitters, no conflicts (2 of 4 stars). 2 submissions from 2 submitters: Uncertain significance (2). Last evaluated 2025-03-24.

Conditions:
Peroxisome biogenesis disorder 12A (Zellweger). Also called: Peroxisome biogenesis disorder 12A. Identifiers: Orphanet 912, MedGen C3554002, MONDO:0013951, OMIM 614886.

Allele frequency attached by ClinVar (database versions not stated): TOPMed 0.00001; ExAC 0.00002.

Submissions (2):

Mayo Clinic Laboratories, Mayo Clinic
Classification: Uncertain significance. Last evaluated: 2025-03-24. Review status: criteria provided, single submitter. Criteria: ACMG Guidelines, 2015. Collection method: clinical testing. Allele origin: germline. Observed: 1 variant allele.

Labcorp Genetics (formerly Invitae), Labcorp
Classification: Uncertain significance for Peroxisome biogenesis disorder 12A (Zellweger). Last evaluated: 2023-10-03. Review status: criteria provided, single submitter. Criteria: Invitae Variant Classification Sherloc (09022015). Collection method: clinical testing. Allele origin: germline.
Comment: This sequence change replaces threonine, which is neutral and polar, with isoleucine, which is neutral and non-polar, at codon 132 of the PEX19 protein (p.Thr132Ile). This variant is present in population databases (rs770134866, gnomAD 0.006%). This variant has not been reported in the literature in individuals affected with PEX19-related conditions. ClinVar contains an entry for this variant (Variation ID: 1022920). Advanced modeling of protein sequence and biophysical properties (such as structural, functional, and spatial information, amino acid conservation, physicochemical variation, residue mobility, and thermodynamic stability) performed at Invitae indicates that this missense variant is expected to disrupt PEX19 protein function. In summary, the available evidence is currently insufficient to determine the role of this variant in disease. Therefore, it has been classified as a Variant of Uncertain Significance.

NM_002857.4(PEX19):c.395C>T (p.Thr132Ile)

Gene: PEX19 (peroxisomal biogenesis factor 19; minus strand). Cytogenetic location: 1q23.2.
Variant type: single nucleotide variant.
Coding change: c.395C>T on transcript NM_002857.4 (MANE Select); coding-DNA position 395, C replaced by T.
Protein change: p.Thr132Ile; replaces threonine 132 with isoleucine.
Molecular consequence: missense variant. On other transcripts: non-coding transcript variant (1).
Genome position (GRCh38, 1-based): chr1:160,282,454, G>A on the plus strand (C>T on the coding strand, the complement: PEX19 is on the minus strand). VCF-style: chr1-160282454-G-A. GRCh37 (hg19) VCF-style: chr1-160252244-G-A.
Other names: p.Thr132Ile; c.395C>T, p.Thr132Ile (NM_001193644.1); c.395C>T (NM_002857.3); short protein forms T132I.
Identifiers: ClinVar variation 1022920 (VCV001022920.8), dbSNP rs770134866, ClinGen allele CA1197376.